The following is an entry in ClinVar:

NM_018051.5(DYNC2I1):c.3077C>T (p.Ala1026Val)

Gene: DYNC2I1 (dynein 2 intermediate chain 1; plus strand). Cytogenetic location: 7q36.3.
Variant type: single nucleotide variant.
Coding change: c.3077C>T on transcript NM_018051.5 (MANE Select); coding-DNA position 3077, C replaced by T.
Protein change: p.Ala1026Val; replaces alanine 1026 with valine.
Molecular consequence: missense variant.
Genome position (GRCh38, 1-based): chr7:158,945,655, C>T. VCF-style: chr7-158945655-C-T. GRCh37 (hg19) VCF-style: chr7-158738346-C-T.
Other names: c.2939C>T, p.Ala980Val (NM_001350914.2); c.2504C>T, p.Ala835Val (NM_001350915.2); c.1616C>T, p.Ala539Val (NM_001350916.2); c.1829C>T, p.Ala610Val (NM_001350917.2, NM_001350918.2); short protein forms A1026V, A539V, A980V, A610V, A835V.
Identifiers: ClinVar variation 474629 (VCV000474629.6), dbSNP rs370850399, ClinGen allele CA4595203.
Genomic context (GRCh38, chr7:158,945,655, plus strand): 5'-CTGCGGTGGGTGAGCCTGAGAAGGCTGGTGGCAGCTTCCTGGCCCTGGTGCTGGCCAGGG[C>T]GTCTGGCTCCATCGACATCCAGCACCTGAAGAGGCGGTGGGCGGCCCCGGAGGTGGACGA-3'
Protein context (NP_060521.4, residues 1016-1036): GSFLALVLAR[Ala1026Val]SGSIDIQHLK

ClinVar aggregate classification (germline): Uncertain significance (1 of 4 stars; one submission).

Conditions:
Short-rib thoracic dysplasia 8 with or without polydactyly (SRTD8). Also called: SHORT-RIB THORACIC DYSPLASIA 8 WITH POLYDACTYLY. Identifiers: Orphanet 93271, MedGen C3809691, MONDO:0014214, OMIM 615503.

Allele frequency attached by ClinVar (database versions not stated): gnomAD 0.00001; gnomAD exomes 0.00001; TOPMed 0.00003; ExAC 0.00002; ESP Exome Variant Server 0.00016.
gnomAD v4.1: 10 of 1,612,256 alleles (0.00062%); highest among the groups gnomAD compares: Admixed American, 0.0017%; no homozygotes.

Submission:

Labcorp Genetics (formerly Invitae), Labcorp
Classification: Uncertain significance for Short-rib thoracic dysplasia 8 with or without polydactyly. Last evaluated: 2023-11-15. Review status: criteria provided, single submitter. Criteria: Invitae Variant Classification Sherloc (09022015). Collection method: clinical testing. Allele origin: germline.
Comment: This sequence change replaces alanine, which is neutral and non-polar, with valine, which is neutral and non-polar, at codon 1026 of the WDR60 protein (p.Ala1026Val). This variant is present in population databases (rs370850399, gnomAD 0.003%). This variant has not been reported in the literature in individuals affected with WDR60-related conditions. ClinVar contains an entry for this variant (Variation ID: 474629). An algorithm developed to predict the effect of missense changes on protein structure and function (PolyPhen-2) suggests that this variant is likely to be tolerated. In summary, the available evidence is currently insufficient to determine the role of this variant in disease. Therefore, it has been classified as a Variant of Uncertain Significance.